The following is an entry in ClinVar:

ClinVar aggregate classification (germline): Uncertain significance (1 of 4 stars; one submission).

Conditions:
Epilepsy. Also called: Seizure disorder. Identifiers: MedGen C0014544, MeSH D004827, MONDO:0005027.

Submission:

Labcorp Genetics (formerly Invitae), Labcorp
Classification: Uncertain significance for Epilepsy. Last evaluated: 2022-04-23. Review status: criteria provided, single submitter. Criteria: Invitae Variant Classification Sherloc (09022015). Collection method: clinical testing. Allele origin: germline.
Comment: This sequence change replaces glycine, which is neutral and non-polar, with tryptophan, which is neutral and slightly polar, at codon 298 of the PIGQ protein (p.Gly298Trp). In summary, the available evidence is currently insufficient to determine the role of this variant in disease. Therefore, it has been classified as a Variant of Uncertain Significance. Algorithms developed to predict the effect of missense changes on protein structure and function are either unavailable or do not agree on the potential impact of this missense change (SIFT: "Deleterious"; PolyPhen-2: "Benign"; Align-GVGD: "Class C0"). This variant has not been reported in the literature in individuals affected with PIGQ-related conditions. This variant is not present in population databases (gnomAD no frequency).

NM_004204.5(PIGQ):c.892G>T (p.Gly298Trp)

Gene: PIGQ (phosphatidylinositol glycan anchor biosynthesis class Q; plus strand). Cytogenetic location: 16p13.3.
Variant type: single nucleotide variant.
Coding change: c.892G>T on transcript NM_004204.5 (MANE Select); coding-DNA position 892, G replaced by T.
Protein change: p.Gly298Trp; replaces glycine 298 with tryptophan.
Molecular consequence: missense variant.
Genome position (GRCh38, 1-based): chr16:576,204, G>T. VCF-style: chr16-576204-G-T. GRCh37 (hg19) VCF-style: chr16-626204-G-T.
Other names: c.892G>T, p.Gly298Trp (NM_148920.4); short protein forms G298W.
Identifiers: ClinVar variation 1978949 (VCV001978949.4), dbSNP rs750484214, ClinGen allele CA394052620.